The following is an entry in ClinVar:

ClinVar aggregate classification (germline): Uncertain significance (1 of 4 stars; one submission).

Allele frequency attached by ClinVar (database versions not stated): gnomAD exomes below 0.00001; ExAC 0.00001; TOPMed 0.00003.

Submission:

Labcorp Genetics (formerly Invitae), Labcorp
Classification: Uncertain significance. Last evaluated: 2025-09-23. Review status: criteria provided, single submitter. Criteria: Invitae Variant Classification Sherloc (09022015). Collection method: clinical testing. Allele origin: germline.
Comment: This sequence change replaces arginine, which is basic and polar, with tryptophan, which is neutral and slightly polar, at codon 765 of the LRRC8A protein (p.Arg765Trp). This variant is present in population databases (rs752227637, gnomAD 0.0009%). This variant has not been reported in the literature in individuals affected with LRRC8A-related conditions. ClinVar contains an entry for this variant (Variation ID: 1423847). An algorithm developed to predict the effect of missense changes on protein structure and function (PolyPhen-2) suggests that this variant is likely to be disruptive. In summary, the available evidence is currently insufficient to determine the role of this variant in disease. Therefore, it has been classified as a Variant of Uncertain Significance.

NM_019594.4(LRRC8A):c.2293C>T (p.Arg765Trp)

Gene: LRRC8A (leucine rich repeat containing 8 VRAC subunit A; plus strand). Cytogenetic location: 9q34.11.
Variant type: single nucleotide variant.
Coding change: c.2293C>T on transcript NM_019594.4 (MANE Select); coding-DNA position 2293, C replaced by T.
Protein change: p.Arg765Trp; replaces arginine 765 with tryptophan.
Molecular consequence: missense variant.
Genome position (GRCh38, 1-based): chr9:128,916,231, C>T. VCF-style: chr9-128916231-C-T. GRCh37 (hg19) VCF-style: chr9-131678510-C-T.
Other names: c.2293C>T, p.Arg765Trp (NM_001127244.2, NM_001127245.2); short protein forms R765W.
Identifiers: ClinVar variation 1423847 (VCV001423847.8), dbSNP rs752227637, ClinGen allele CA5271058.
Genomic context (GRCh38, chr9:128,916,231, plus strand): 5'-TCACTGCCCTCCAGGGTGGGCGAGCTGACCAACCTGACGCAGATCGAGCTGCGGGGCAAC[C>T]GGCTGGAGTGCCTGCCTGTGGAGCTGGGCGAGTGCCCACTGCTCAAGCGCAGCGGCTTGG-3'
Protein context (NP_062540.2, residues 755-775): NLTQIELRGN[Arg765Trp]LECLPVELGE